The following is an entry in ClinVar:

NM_000048.4(ASL):c.671C>T (p.Ala224Val)

Gene: ASL (argininosuccinate lyase; plus strand). Cytogenetic location: 7q11.21.
Variant type: single nucleotide variant.
Coding change: c.671C>T on transcript NM_000048.4 (MANE Select); coding-DNA position 671, C replaced by T.
Protein change: p.Ala224Val; replaces alanine 224 with valine.
Molecular consequence: missense variant.
Genome position (GRCh38, 1-based): chr7:66,087,744, C>T. VCF-style: chr7-66087744-C-T. GRCh37 (hg19) VCF-style: chr7-65552731-C-T.
Other names: c.671C>T, p.Ala224Val (NM_001024943.2, NM_001024944.2); c.593C>T, p.Ala198Val (NM_001024946.2); short protein forms A224V, A198V.
Identifiers: ClinVar variation 1482881 (VCV001482881.5), dbSNP rs2115733053, ClinGen allele CA367644463.

ClinVar aggregate classification (germline): Uncertain significance (1 of 4 stars; one submission).

Conditions:
Argininosuccinate lyase deficiency. Also called: ARGININOSUCCINIC ACID LYASE DEFICIENCY; ASL DEFICIENCY; Argininosuccinic aciduria. Identifiers: Orphanet 23, MedGen C0268547, MONDO:0008815, OMIM 207900, HP:0025630.

Allele frequency attached by ClinVar (database versions not stated): gnomAD exomes below 0.00001.
gnomAD v4.1: 3 of 1,614,140 alleles (0.00019%); highest among the groups gnomAD compares: Non-Finnish European, 0.00025%; no homozygotes.

Submission:

Labcorp Genetics (formerly Invitae), Labcorp
Classification: Uncertain significance for Argininosuccinate lyase deficiency. Last evaluated: 2024-10-14. Review status: criteria provided, single submitter. Criteria: Invitae Variant Classification Sherloc (09022015). Collection method: clinical testing. Allele origin: germline.
Comment: This sequence change replaces alanine, which is neutral and non-polar, with valine, which is neutral and non-polar, at codon 224 of the ASL protein (p.Ala224Val). This variant is not present in population databases (gnomAD no frequency). This variant has not been reported in the literature in individuals affected with ASL-related conditions. ClinVar contains an entry for this variant (Variation ID: 1482881). Invitae Evidence Modeling of protein sequence and biophysical properties (such as structural, functional, and spatial information, amino acid conservation, physicochemical variation, residue mobility, and thermodynamic stability) has been performed for this missense variant. However, the output from this modeling did not meet the statistical confidence thresholds required to predict the impact of this variant on ASL protein function. In summary, the available evidence is currently insufficient to determine the role of this variant in disease. Therefore, it has been classified as a Variant of Uncertain Significance.